The following is an entry in ClinVar:

ClinVar aggregate classification (germline): Uncertain significance (1 of 4 stars; one submission).

Conditions:
Fanconi renotubular syndrome 4 with maturity-onset diabetes of the young (FRTS4). Also called: FRTS4 WITH MODY. Identifiers: Orphanet 93111, MedGen C4014962, MONDO:0014458, OMIM 616026.

Submission:

Neuberg Centre For Genomic Medicine, NCGM
Classification: Uncertain significance for Fanconi renotubular syndrome 4 with maturity-onset diabetes of the young. Review status: criteria provided, single submitter. Criteria: ACMG Guidelines, 2015. Collection method: clinical testing. Allele origin: germline. Inheritance: Autosomal dominant inheritance. Affected: yes.
Comment: The missense variant in c.1184A>G(p.Gln395Arg) in HNF4A gene has not been reported previously as a pathogenic variant nor as a benign variant, to our knowledge. The p.Gln395Arg variant is novel (not in any individuals) in gnomAD Exomes and 1000 Genomes. The amino acid Gln at position 395 is changed to a Arg changing protein sequence and it might alter its composition and physico-chemical properties. The amino acid change p.Gln395Arg in HNF4A is predicted as conserved by GERP++ and PhyloP across 100 vertebrates. For these reasons, this variant has been classified as Uncertain Significance

NM_175914.5(HNF4A):c.1118A>G (p.Gln373Arg)

Gene: HNF4A (hepatocyte nuclear factor 4 alpha; plus strand). Cytogenetic location: 20q13.12.
Variant type: single nucleotide variant.
Coding change: c.1118A>G on transcript NM_175914.5 (MANE Select); coding-DNA position 1118, A replaced by G.
Protein change: p.Gln373Arg; replaces glutamine 373 with arginine.
Molecular consequence: missense variant.
Genome position (GRCh38, 1-based): chr20:44,428,389, A>G. VCF-style: chr20-44428389-A-G. GRCh37 (hg19) VCF-style: chr20-43057029-A-G.
Other names: c.1184A>G, p.Gln395Arg (NM_000457.6, NM_178849.3); c.1118A>G, p.Gln373Arg (NM_001030003.3); c.1163A>G, p.Gln388Arg (NM_001258355.2); c.1109A>G, p.Gln370Arg (NM_001287182.2, NM_001287183.2); short protein forms Q370R, Q395R, Q388R, Q373R.
Identifiers: ClinVar variation 2584869 (VCV002584869.1), dbSNP rs2515728809, ClinGen allele CA409110067.